The following is an entry in ClinVar:

ClinVar aggregate classification (germline): Uncertain significance. Review status: criteria provided, multiple submitters, no conflicts (2 of 4 stars). 2 submissions from 2 submitters: Uncertain significance (2). Last evaluated 2025-11-28.

Conditions:
Ullrich congenital muscular dystrophy 2 (UCMD2). Identifiers: Orphanet 75840, MedGen C4225314, MONDO:0014654, OMIM 616470.
Bethlem myopathy 2 (BTHLM2). Identifiers: Orphanet 536516, Orphanet 610, MedGen C4225313, MONDO:0034022, OMIM 616471.
Inborn genetic diseases. Identifiers: MedGen C0950123, MeSH D030342.

Allele frequency attached by ClinVar (database versions not stated): gnomAD 0.00001; TOPMed 0.00001.
gnomAD v4.1: 24 of 1,613,992 alleles (0.0015%); highest among the groups gnomAD compares: African/African-American, 0.0027%; no homozygotes.

Submissions (2):

Labcorp Genetics (formerly Invitae), Labcorp
Classification: Uncertain significance for Bethlem myopathy 2; Ullrich congenital muscular dystrophy 2. Last evaluated: 2025-11-28. Review status: criteria provided, single submitter. Criteria: Invitae Variant Classification Sherloc (09022015). Collection method: clinical testing. Allele origin: germline.
Comment: This sequence change replaces glycine, which is neutral and non-polar, with glutamic acid, which is acidic and polar, at codon 1959 of the COL12A1 protein (p.Gly1959Glu). This variant is not present in population databases (gnomAD no frequency). This variant has not been reported in the literature in individuals affected with COL12A1-related conditions. ClinVar contains an entry for this variant (Variation ID: 1447324). Invitae Evidence Modeling of protein sequence and biophysical properties (such as structural, functional, and spatial information, amino acid conservation, physicochemical variation, residue mobility, and thermodynamic stability) has been performed for this missense variant. However, the output from this modeling did not meet the statistical confidence thresholds required to predict the impact of this variant on COL12A1 protein function. In summary, the available evidence is currently insufficient to determine the role of this variant in disease. Therefore, it has been classified as a Variant of Uncertain Significance.

Ambry Genetics
Classification: Uncertain significance for Inborn genetic diseases. Last evaluated: 2025-08-23. Review status: criteria provided, single submitter. Criteria: Ambry Variant Classification Scheme 2023. Collection method: clinical testing. Allele origin: germline.

NM_004370.6(COL12A1):c.5876G>A (p.Gly1959Glu)

Gene: COL12A1 (collagen type XII alpha 1 chain; minus strand). Cytogenetic location: 6q13.
Variant type: single nucleotide variant.
Coding change: c.5876G>A on transcript NM_004370.6 (MANE Select); coding-DNA position 5876, G replaced by A.
Protein change: p.Gly1959Glu; replaces glycine 1959 with glutamic acid.
Molecular consequence: missense variant.
Genome position (GRCh38, 1-based): chr6:75,132,001, C>T on the plus strand (G>A on the coding strand, the complement: COL12A1 is on the minus strand). VCF-style: chr6-75132001-C-T. GRCh37 (hg19) VCF-style: chr6-75841717-C-T.
Other names: c.5876G>A (NM_004370.5); c.2384G>A, p.Gly795Glu (NM_080645.3); short protein forms G795E, G1959E.
Identifiers: ClinVar variation 1447324 (VCV001447324.11), dbSNP rs1179773170, ClinGen allele CA364732875.